The following is an entry in ClinVar:

NM_002661.5(PLCG2):c.1193+2_1193+3insAACAGCCAAAGAAAATCAGCCAAATCAGCCAAAGAAAT

Gene: PLCG2 (phospholipase C gamma 2; plus strand). Cytogenetic location: 16q23.3.
Variant type: Insertion.
Coding change: c.1193+2_1193+3insAACAGCCAAAGAAAATCAGCCAAATCAGCCAAAGAAAT on transcript NM_002661.5 (MANE Select); the canonical splice donor site of the intron after coding-DNA position 1193 through 3 bases into the intron after coding-DNA position 1193, AACAGCCAAAGAAAATCAGCCAAATCAGCCAAAGAAAT inserted.
Molecular consequence: splice donor variant.
Genome position: GRCh38: chr16:81,895,929-81,895,930. GRCh37 (hg19): chr16:81,929,534-81,929,535.
Identifiers: ClinVar variation 2914894 (VCV002914894.4), dbSNP rs1312124346, ClinGen allele CA623766372.

ClinVar aggregate classification (germline): Uncertain significance. Review status: criteria provided, multiple submitters, no conflicts (2 of 4 stars). 2 submissions from 2 submitters: Uncertain significance (2). Last evaluated 2025-08-04.

Conditions:
Familial cold autoinflammatory syndrome 3 (FCAS3). Also called: ANTIBODY DEFICIENCY AND IMMUNE DYSREGULATION, PLCG2-ASSOCIATED; FAMILIAL ATYPICAL COLD URTICARIA. Identifiers: Orphanet 300359, MedGen C3280914, MONDO:0013766, OMIM 614468.

Submissions (2):

Labcorp Genetics (formerly Invitae), Labcorp
Classification: Uncertain significance for Familial cold autoinflammatory syndrome 3. Last evaluated: 2025-08-04. Review status: criteria provided, single submitter. Criteria: Invitae Variant Classification Sherloc (09022015). Collection method: clinical testing. Allele origin: germline.
Comment: This sequence change falls in intron 13 of the PLCG2 gene. It does not directly change the encoded amino acid sequence of the PLCG2 protein. It affects a nucleotide within the consensus splice site. This variant is present in population databases (no rsID available, gnomAD 0.02%). This variant has not been reported in the literature in individuals affected with PLCG2-related conditions. ClinVar contains an entry for this variant (Variation ID: 2914894). Variants that disrupt the consensus splice site are a relatively common cause of aberrant splicing (PMID: 17576681, 9536098). In summary, the available evidence is currently insufficient to determine the role of this variant in disease. Therefore, it has been classified as a Variant of Uncertain Significance.

Blueprint Genetics
Classification: Uncertain significance. Last evaluated: 2018-03-16. Review status: criteria provided, single submitter. Criteria: ACMG Guidelines, 2015. Collection method: clinical testing. Allele origin: germline.

Literature cited by the submitters: PubMed 17576681 (cited by Labcorp Genetics (formerly Invitae), Labcorp); PubMed 9536098 (cited by Labcorp Genetics (formerly Invitae), Labcorp).